The following is an entry in ClinVar:

NM_000782.5(CYP24A1):c.908G>C (p.Cys303Ser)

Gene: CYP24A1 (cytochrome P450 family 24 subfamily A member 1; minus strand). Cytogenetic location: 20q13.2.
Variant type: single nucleotide variant.
Coding change: c.908G>C on transcript NM_000782.5 (MANE Select); coding-DNA position 908, G replaced by C.
Protein change: p.Cys303Ser; replaces cysteine 303 with serine.
Molecular consequence: missense variant.
Genome position (GRCh38, 1-based): chr20:54,162,799, C>G on the plus strand (G>C on the coding strand, the complement: CYP24A1 is on the minus strand). VCF-style: chr20-54162799-C-G. GRCh37 (hg19) VCF-style: chr20-52779338-C-G.
Other names: c.908G>C, p.Cys303Ser (NM_001128915.2); short protein forms C303S.
Identifiers: ClinVar variation 697520 (VCV000697520.17), dbSNP rs76747058, ClinGen allele CA9915954.

ClinVar aggregate classification (germline): Benign/Likely benign. Review status: criteria provided, multiple submitters, no conflicts (2 of 4 stars). 6 submissions from 6 submitters: Benign (4); Likely benign (2). Last evaluated 2025-12-31.

Conditions:
Hypercalcemia, infantile, 1 (HCINF1). Identifiers: Orphanet 300547, MedGen CN031131, MONDO:0020739, OMIM 143880.
CYP24A1-related disorder. Also called: CYP24A1-related condition.

Allele frequency attached by ClinVar (database versions not stated): gnomAD 0.00046 and 0.00066; gnomAD exomes 0.00050 and 0.00125; TOPMed 0.00068; ExAC 0.00115; 1000 Genomes Project 30x 0.00250; 1000 Genomes Project 0.00260.
gnomAD v4.1: 816 of 1,554,696 alleles (0.052%); highest among the groups gnomAD compares: East Asian, 1.5%; 3 homozygotes.

Submissions (6):

Labcorp Genetics (formerly Invitae), Labcorp
Classification: Benign. Last evaluated: 2025-12-31. Review status: criteria provided, single submitter. Criteria: Invitae Variant Classification Sherloc (09022015). Collection method: clinical testing. Allele origin: germline.

PreventionGenetics, part of Exact Sciences
Classification: Benign for CYP24A1-related condition. Last evaluated: 2024-10-25. Review status: criteria provided, single submitter. Criteria: ACMG Guidelines, 2015. Collection method: clinical testing. Allele origin: germline.
Comment: This variant is classified as benign based on ACMG/AMP sequence variant interpretation guidelines (Richards et al. 2015 PMID: 25741868, with internal and published modifications).

Blueprint Genetics
Classification: Likely benign. Last evaluated: 2024-10-11. Review status: criteria provided, single submitter. Criteria: ACMG Guidelines, 2015. Collection method: clinical testing. Allele origin: germline.

GeneDx
Classification: Likely benign. Last evaluated: 2022-12-19. Review status: criteria provided, single submitter. Criteria: GeneDx Variant Classification Process June 2021. Collection method: clinical testing. Allele origin: germline. Affected: yes.
Comment: See Variant Classification Assertion Criteria.

Illumina Laboratory Services, Illumina
Classification: Benign for Hypercalcemia, infantile, 1. Last evaluated: 2018-01-13. Review status: criteria provided, single submitter. Criteria: ICSL Variant Classification Criteria 13 December 2019. Collection method: clinical testing. Allele origin: germline.
Comment: This variant was observed in the ICSL laboratory as part of a predisposition screen in an ostensibly healthy population. It had not been previously curated by ICSL or reported in the Human Gene Mutation Database (HGMD: prior to June 1st, 2018), and was therefore a candidate for classification through an automated scoring system. Utilizing variant allele frequency, disease prevalence and penetrance estimates, and inheritance mode, an automated score was calculated to assess if this variant is too frequent to cause the disease. Based on the score and internal cut-off values, a variant classified as benign is not then subjected to further curation. The score for this variant resulted in a classification of benign for this disease.

Breakthrough Genomics
Classification: Benign. Review status: criteria provided, single submitter. Criteria: ACMG Guidelines, 2015. Collection method: not provided. Allele origin: germline. Inheritance: Autosomal recessive inheritance. Affected: yes.